The following is an entry in ClinVar:

ClinVar aggregate classification (germline): Uncertain significance. Review status: criteria provided, multiple submitters, no conflicts (2 of 4 stars). 2 submissions from 2 submitters: Uncertain significance (2). Last evaluated 2021-09-01.

Conditions:
Glycogen storage disease type III (GSD3). Also called: Cori disease; FORBES DISEASE. Identifiers: Orphanet 366, MedGen C0017922, MONDO:0009291, OMIM 232400.

Submissions (2):

Labcorp Genetics (formerly Invitae), Labcorp
Classification: Uncertain significance for Glycogen storage disease type III. Last evaluated: 2021-09-01. Review status: criteria provided, single submitter. Criteria: Invitae Variant Classification Sherloc (09022015). Collection method: clinical testing. Allele origin: germline.
Comment: This sequence change replaces tryptophan with arginine at codon 461 of the AGL protein (p.Trp461Arg). The tryptophan residue is highly conserved and there is a moderate physicochemical difference between tryptophan and arginine. This variant is not present in population databases (ExAC no frequency). This variant has not been reported in the literature in individuals affected with AGL-related conditions. Algorithms developed to predict the effect of missense changes on protein structure and function are either unavailable or do not agree on the potential impact of this missense change (SIFT: "Deleterious"; PolyPhen-2: "Probably Damaging"; Align-GVGD: "Class C0"). In summary, the available evidence is currently insufficient to determine the role of this variant in disease. Therefore, it has been classified as a Variant of Uncertain Significance.

Juno Genomics, Hangzhou Juno Genomics, Inc
Classification: Uncertain significance for Glycogen storage disease type III. Review status: criteria provided, single submitter. Criteria: ACMG Guidelines, 2015. Collection method: clinical testing. Allele origin: germline.
Comment: Absent from controls (or at extremely low frequency if recessive) in Genome Aggregation Database.;Multiple lines of computational evidence support a deleterious effect on the gene or gene product.

NM_000642.3(AGL):c.1381T>C (p.Trp461Arg)

Gene: AGL (amylo-alpha-1,6-glucosidase and 4-alpha-glucanotransferase; plus strand). Cytogenetic location: 1p21.2.
Variant type: single nucleotide variant.
Coding change: c.1381T>C on transcript NM_000642.3 (MANE Select); coding-DNA position 1381, T replaced by C.
Protein change: p.Trp461Arg; replaces tryptophan 461 with arginine.
Molecular consequence: missense variant.
Genome position (GRCh38, 1-based): chr1:99,876,555, T>C. VCF-style: chr1-99876555-T-C. GRCh37 (hg19) VCF-style: chr1-100342111-T-C.
Other names: c.1381T>C, p.Trp461Arg (NM_000028.3, NM_000643.3, NM_000644.3 and 2 more transcripts); c.1333T>C, p.Trp445Arg (NM_000646.3); c.1180T>C, p.Trp394Arg (NM_001425327.1); c.1177T>C, p.Trp393Arg (NM_001425328.1, NM_001425329.1); c.1003T>C, p.Trp335Arg (NM_001425332.1); short protein forms W445R, W461R, W335R, W393R, W394R.
Identifiers: ClinVar variation 1009787 (VCV001009787.8), dbSNP rs1651550127, ClinGen allele CA341346476.